The following is an entry in ClinVar:

ClinVar aggregate classification (germline): Likely benign (1 of 4 stars; one submission).

Allele frequency attached by ClinVar (database versions not stated): gnomAD exomes below 0.00001.
gnomAD v4.1: 1 of 1,190,626 alleles (0.000084%); highest among the groups gnomAD compares: Admixed American, 0.0022%; no homozygotes.

Submission:

CeGaT Center for Human Genetics Tuebingen
Classification: Likely benign. Last evaluated: 2022-07-01. Review status: criteria provided, single submitter. Criteria: CeGaT Center For Human Genetics Tuebingen Variant Classification Criteria Version 2. Collection method: clinical testing. Allele origin: germline. Affected: yes. Observed: 1 variant allele.
Comment: PHEX: PM2:Supporting, BP4, BP7

NM_000444.6(PHEX):c.1632C>T (p.Ser544=)

Gene: PHEX (phosphate regulating endopeptidase X-linked; plus strand). Cytogenetic location: Xp22.11.
Variant type: single nucleotide variant.
Coding change: c.1632C>T on transcript NM_000444.6 (MANE Select); coding-DNA position 1632, C replaced by T.
Protein change: p.Ser544=; no amino-acid change (serine 544 retained).
Molecular consequence: synonymous variant.
Genome position (GRCh38, 1-based): chrX:22,190,489, C>T. VCF-style: chrX-22190489-C-T. GRCh37 (hg19) VCF-style: chrX-22208606-C-T.
Other names: c.1632C>T, p.Ser544= (NM_001282754.2).
Identifiers: ClinVar variation 2660159 (VCV002660159.24), dbSNP rs2518621828, ClinGen allele CA515431890.